The following is an entry in ClinVar:

NM_000540.3(RYR1):c.550G>A (p.Ala184Thr)

Gene: RYR1 (ryanodine receptor 1; plus strand). Cytogenetic location: 19q13.2.
Variant type: single nucleotide variant.
Coding change: c.550G>A on transcript NM_000540.3 (MANE Select); coding-DNA position 550, G replaced by A.
Protein change: p.Ala184Thr; replaces alanine 184 with threonine.
Molecular consequence: missense variant.
Genome position (GRCh38, 1-based): chr19:38,444,596, G>A. VCF-style: chr19-38444596-G-A. GRCh37 (hg19) VCF-style: chr19-38935236-G-A.
Other names: c.550G>A, p.Ala184Thr (NM_001042723.2); short protein forms A184T.
Identifiers: ClinVar variation 889378 (VCV000889378.10), dbSNP rs766256366, ClinGen allele CA067203.

ClinVar aggregate classification (germline): Uncertain significance. Review status: criteria provided, multiple submitters, no conflicts (2 of 4 stars). 6 submissions from 5 submitters: Uncertain significance (6). Last evaluated 2024-12-26.

Conditions:
RYR1-related disorder. Also called: RYR1-related condition; RYR1-related disorders. Identifiers: MedGen CN239331.
Congenital multicore myopathy with external ophthalmoplegia (CMYO1B). Also called: MULTICORE MYOPATHY; Minicore myopathy with external ophthalmoplegia; Congenital myopathy 1B, autosomal recessive; Minicore myopathy; MULTIMINICORE DISEASE WITH EXTERNAL OPHTHALMOPLEGIA. Identifiers: Orphanet 598, Orphanet 98905, MedGen C1850674, MONDO:0009712, OMIM 255320, HP:0003789.
Malignant hyperthermia, susceptibility to, 1 (MHS1). Also called: Anesthesia related hyperthermia; Malignant hyperpyrexia; Fulminating hyperpyrexia; Pharmacogenic myopathy; RYR1-Related Malignant Hyperthermia Susceptibility; Malignant hyperthermia suceptibility 1. Identifiers: Orphanet 423, MedGen C2930980, MONDO:0007783, OMIM 145600.

Allele frequency attached by ClinVar (database versions not stated): gnomAD 0.00001; TOPMed 0.00001; ExAC 0.00002; gnomAD exomes 0.00002 and 0.00004.
gnomAD v4.1: 23 of 1,613,540 alleles (0.0014%); highest among the groups gnomAD compares: East Asian, 0.013%; no homozygotes.

Submissions (6):

Revvity Omics, Revvity
Classification: Uncertain significance. Last evaluated: 2024-12-26. Review status: criteria provided, single submitter. Criteria: ACMG Guidelines, 2015. Collection method: clinical testing. Allele origin: germline.

Labcorp Genetics (formerly Invitae), Labcorp
Classification: Uncertain significance for RYR1-related disorder. Last evaluated: 2024-11-18. Review status: criteria provided, single submitter. Criteria: Invitae Variant Classification Sherloc (09022015). Collection method: clinical testing. Allele origin: germline.
Comment: This sequence change replaces alanine, which is neutral and non-polar, with threonine, which is neutral and polar, at codon 184 of the RYR1 protein (p.Ala184Thr). This variant is present in population databases (rs766256366, gnomAD 0.04%). This missense change has been observed in individual(s) with clinical features of RYR1-related conditions (PMID: 31130284). ClinVar contains an entry for this variant (Variation ID: 889378). Invitae Evidence Modeling of protein sequence and biophysical properties (such as structural, functional, and spatial information, amino acid conservation, physicochemical variation, residue mobility, and thermodynamic stability) has been performed for this missense variant. However, the output from this modeling did not meet the statistical confidence thresholds required to predict the impact of this variant on RYR1 protein function. In summary, the available evidence is currently insufficient to determine the role of this variant in disease. Therefore, it has been classified as a Variant of Uncertain Significance.

All of Us Research Program, National Institutes of Health
Classification: Uncertain significance for Malignant hyperthermia, susceptibility to, 1. Last evaluated: 2024-06-09. Review status: criteria provided, single submitter. Criteria: ACMG Guidelines, 2015. Collection method: clinical testing. Allele origin: germline. Inheritance: Autosomal dominant inheritance. Observed: 5 variant alleles, 5 heterozygotes.
Comment: This missense variant replaces alanine with threonine at codon 184 of the RYR1 protein. Computational prediction is inconclusive regarding the impact of this variant on protein structure and function (internally defined REVEL score threshold 0.5 < inconclusive < 0.7, PMID: 27666373). To our knowledge, functional studies have not been reported for this variant. This variant has not been reported in individuals affected with autosomal dominant malignant hyperthermia in the literature, although it has been observed in other phenotype(s) (PMID: 29667327). This variant has been identified in 9/250384 chromosomes in the general population by the Genome Aggregation Database (gnomAD). Due to insufficient evidence, this variant is classified as a Variant of Uncertain Significance for autosomal dominant malignant hyperthermia.

This study involves interpretation of variants in research participants for the purpose of population health screening. Participant phenotype was not available at the time of variant classification. Additional details can be found in publication PMID: 35346344, PMCID: PMC8962531

Color Diagnostics, LLC DBA Color Health
Classification: Uncertain significance for Malignant hyperthermia, susceptibility to, 1. Last evaluated: 2023-08-24. Review status: criteria provided, single submitter. Criteria: ACMG Guidelines, 2015. Collection method: clinical testing. Allele origin: germline.
Comment: This missense variant replaces alanine with threonine at codon 184 of the RYR1 protein. Computational prediction is inconclusive regarding the impact of this variant on protein structure and function. To our knowledge, functional studies have not been reported for this variant. This variant has not been reported in individuals affected with autosomal dominant malignant hyperthermia in the literature, although it has been observed in other phenotype(s) (PMID: 29667327). This variant has been identified in 9/250384 chromosomes in the general population by the Genome Aggregation Database (gnomAD). Due to insufficient evidence, this variant is classified as a Variant of Uncertain Significance for autosomal dominant malignant hyperthermia.

Illumina Laboratory Services, Illumina
Classification: Uncertain significance for Congenital multicore myopathy with external ophthalmoplegia. Last evaluated: 2018-01-12. Review status: criteria provided, single submitter. Criteria: ICSL Variant Classification Criteria 13 December 2019. Collection method: clinical testing. Allele origin: germline.

Illumina Laboratory Services, Illumina
Classification: Uncertain significance for Malignant hyperthermia, susceptibility to, 1. Last evaluated: 2018-01-12. Review status: criteria provided, single submitter. Criteria: ICSL Variant Classification Criteria 13 December 2019. Collection method: clinical testing. Allele origin: germline.

Literature cited by the submitters: PubMed 31130284 (cited by Labcorp Genetics (formerly Invitae), Labcorp); PubMed 29667327 (cited by All of Us Research Program, National Institutes of Health and Color Diagnostics, LLC DBA Color Health).